The following is an entry in ClinVar:

NM_177438.3(DICER1):c.3295A>G (p.Lys1099Glu)

Gene: DICER1 (dicer 1, ribonuclease III; minus strand). Cytogenetic location: 14q32.13.
Variant type: single nucleotide variant.
Coding change: c.3295A>G on transcript NM_177438.3 (MANE Select); coding-DNA position 3295, A replaced by G.
Protein change: p.Lys1099Glu; replaces lysine 1099 with glutamic acid.
Molecular consequence: missense variant.
Genome position (GRCh38, 1-based): chr14:95,104,101, T>C on the plus strand (A>G on the coding strand, the complement: DICER1 is on the minus strand). VCF-style: chr14-95104101-T-C. GRCh37 (hg19) VCF-style: chr14-95570438-T-C.
Other names: c.3295A>G, p.Lys1099Glu (NM_001195573.1, NM_001271282.3, NM_001291628.2 and 1 more transcripts); short protein forms K1099E.
Identifiers: ClinVar variation 573675 (VCV000573675.16), dbSNP rs1566769625, ClinGen allele CA390876028.
Genomic context (GRCh38, chr14:95,104,101, plus strand): 5'-CATTTTCAGCTGAAGAGGAGTTAGAAATTGAGATGAAAGATTTGCTGTCAATAGATTTTT[T>C]CCACCCGAAGTCTAAGTTAGGGTATCTGCAAAGACATTTTTATAACTTTACATCAGATTC-3'
Protein context (NP_803187.1, residues 1089-1109): FRYPNLDFGW[Lys1099Glu]KSIDSKSFIS

ClinVar aggregate classification (germline): Uncertain significance. Review status: criteria provided, multiple submitters, no conflicts (2 of 4 stars). 3 submissions from 3 submitters: Uncertain significance (3). Last evaluated 2025-07-13.

Conditions:
DICER1-related tumor predisposition. Also called: DICER1 syndrome; DICER1-related pleuropulmonary blastoma cancer predisposition syndrome. Identifiers: Orphanet 284343, MedGen C3839822, MONDO:0100216.
Global developmental delay - lung cysts - overgrowth - Wilms tumor syndrome. Also called: GLOBAL DEVELOPMENTAL DELAY, LUNG CYSTS, OVERGROWTH, AND WILMS TUMOR; GLOW Syndrome. Identifiers: Orphanet 404476, MedGen C4748924, MONDO:0018445, OMIM 618272.
Hereditary cancer-predisposing syndrome. Also called: Hereditary neoplastic syndrome; Neoplastic Syndromes, Hereditary; Hereditary Cancer Syndrome; Tumor predisposition. Identifiers: Orphanet 140162, MedGen C0027672, MeSH D009386, MONDO:0015356.

Allele frequency attached by ClinVar (database versions not stated): gnomAD exomes below 0.00001.
gnomAD v4.1: 1 of 1,613,764 alleles (0.000062%); highest among the groups gnomAD compares: South Asian, 0.0011%; no homozygotes.

Submissions (3):

Labcorp Genetics (formerly Invitae), Labcorp
Classification: Uncertain significance for DICER1-related tumor predisposition. Last evaluated: 2025-07-13. Review status: criteria provided, single submitter. Criteria: Invitae Variant Classification Sherloc (09022015). Collection method: clinical testing. Allele origin: germline.
Comment: This sequence change replaces lysine, which is basic and polar, with glutamic acid, which is acidic and polar, at codon 1099 of the DICER1 protein (p.Lys1099Glu). This variant is not present in population databases (gnomAD no frequency). This variant has not been reported in the literature in individuals affected with DICER1-related conditions. ClinVar contains an entry for this variant (Variation ID: 573675). Invitae Evidence Modeling of protein sequence and biophysical properties (such as structural, functional, and spatial information, amino acid conservation, physicochemical variation, residue mobility, and thermodynamic stability) indicates that this missense variant is not expected to disrupt DICER1 protein function with a negative predictive value of 95%. Algorithms developed to predict the effect of sequence changes on RNA splicing suggest that this variant may disrupt the consensus splice site. In summary, the available evidence is currently insufficient to determine the role of this variant in disease. Therefore, it has been classified as a Variant of Uncertain Significance.

Ambry Genetics
Classification: Uncertain significance for Hereditary cancer-predisposing syndrome. Last evaluated: 2025-01-15. Review status: criteria provided, single submitter. Criteria: Ambry Variant Classification Scheme 2023. Collection method: clinical testing. Allele origin: germline.
Comment: The p.K1099E variant (also known as c.3295A>G), located in coding exon 20 of the DICER1 gene, results from an A to G substitution at nucleotide position 3295. The lysine at codon 1099 is replaced by glutamic acid, an amino acid with similar properties. This amino acid position is highly conserved in available vertebrate species. In addition, the in silico prediction for this alteration is inconclusive. Since supporting evidence is limited at this time, the clinical significance of this alteration remains unclear.

Baylor Genetics
Classification: Uncertain significance for Global developmental delay - lung cysts - overgrowth - Wilms tumor syndrome. Last evaluated: 2024-01-11. Review status: criteria provided, single submitter. Criteria: ACMG Guidelines, 2015. Collection method: clinical testing. Allele origin: unknown.